The following is an entry in ClinVar:

ClinVar aggregate classification (germline): Pathogenic. Review status: criteria provided, single submitter (1 of 4 stars). 2 submissions from 1 submitter: Pathogenic (1). 1 of the submissions does not count toward it. Last evaluated 2018-11-14.

Conditions:
Neurodevelopmental abnormality. Identifiers: MedGen C4022737, HP:0012759.

Submissions (2):

GeneDx
Classification: Pathogenic for Neurodevelopmental abnormality. Last evaluated: 2018-11-14. Review status: criteria provided, single submitter. Criteria: GeneDx Variant Classification (06012015). Collection method: clinical testing. Allele origin: de novo. Affected: yes.

GeneDx
Classification: Pathogenic. Last evaluated: 2018-11-14. Review status: flagged submission. Criteria: GeneDx Variant Classification (06012015). Collection method: clinical testing. Allele origin: germline. Affected: yes. Not counted in ClinVar's aggregate classification.
Comment: The c.2088_2089delTG variant in the TCF20 gene has been observed in internal GeneDx whole exome sequencing data in association with global developmental delay, autistic features, attention deficit hyperactivity disorder, seizures, and dysmorphic features. The c.2088_2089delTG variant causes a frameshift starting with codon Glutamic acid 697, changes this amino acid to an Alanine residue, and creates a premature Stop codon at position 2 of the new reading frame, denoted p.Glu697AlafsX2. This variant is predicted to cause loss of normal protein function either through protein truncation or nonsense-mediated mRNA decay. The c.2088_2089delTG variant is not observed in large population cohorts (Lek et al., 2016). Therefore, we interpret c.2088_2089delTG as a pathogenic variant.
ClinVar note: Reason: This record appears to be redundant with a more recent record from the same submitter.
ClinVar note: Notes: SCV001168647 appears to be redundant with SCV000854580.

NM_001378418.1(TCF20):c.2088_2089del (p.Glu697fs)

Gene: TCF20 (transcription factor 20; minus strand). Cytogenetic location: 22q13.2.
Variant type: Deletion.
Coding change: c.2088_2089del on transcript NM_001378418.1 (MANE Select); coding-DNA positions 2088 to 2089, 2 bases deleted (TG; older notation c.2088_2089delTG).
Protein change: p.Glu697fs; shifts the reading frame from glutamic acid 697.
Molecular consequence: frameshift variant.
Genome position (GRCh38, 1-based): chr22:42,213,217-42,213,218, CA deleted on the plus strand (TG on the coding strand, the reverse complement: TCF20 is on the minus strand). VCF-style (leftmost placement, unchanged base first): chr22-42213216-TCA-T. GRCh37 (hg19) VCF-style: chr22-42609222-TCA-T.
Other names: c.2088_2089del, p.Glu697fs (NM_005650.4, NM_181492.3); short protein forms E697fs.
Identifiers: ClinVar variation 599636 (VCV000599636.3), dbSNP rs1569150635, ClinGen allele CA913190475.